The following is an entry in ClinVar:

NM_002291.3(LAMB1):c.4888-1G>T

Gene: LAMB1 (laminin subunit beta 1; minus strand). Cytogenetic location: 7q31.1.
Variant type: single nucleotide variant.
Coding change: c.4888-1G>T on transcript NM_002291.3 (MANE Select); the canonical splice acceptor site of the intron before coding-DNA position 4888, G replaced by T.
Molecular consequence: splice acceptor variant.
Genome position (GRCh38, 1-based): chr7:107,926,360, C>A on the plus strand (G>T on the coding strand, the complement: LAMB1 is on the minus strand). VCF-style: chr7-107926360-C-A. GRCh37 (hg19) VCF-style: chr7-107566805-C-A.
Identifiers: ClinVar variation 1067017 (VCV001067017.7), dbSNP rs2116309484, ClinGen allele CA368861207.

ClinVar aggregate classification (germline): Likely pathogenic (1 of 4 stars; one submission).

Submission:

Labcorp Genetics (formerly Invitae), Labcorp
Classification: Likely pathogenic. Last evaluated: 2017-10-20. Review status: criteria provided, single submitter. Criteria: Invitae Variant Classification Sherloc (09022015). Collection method: clinical testing. Allele origin: germline.
Comment: This sequence change affects an acceptor splice site in intron 31 of the LAMB1 gene. It is expected to disrupt RNA splicing and likely results in an absent or disrupted protein product. This variant is not present in population databases (ExAC no frequency). This variant has not been reported in the literature in individuals with LAMB1-related disease. Algorithms developed to predict the effect of sequence changes on RNA splicing suggest that this variant may disrupt the consensus splice site, but this prediction has not been confirmed by published transcriptional studies. Donor and acceptor splice site variants typically lead to a loss of protein function (PMID: 16199547), and loss-of-function variants in LAMB1 are known to be pathogenic (PMID: 23472759, 25925986). In summary, the currently available evidence indicates that the variant is pathogenic, but additional data are needed to prove that conclusively. Therefore, this variant has been classified as Likely Pathogenic.

Literature cited by the submitters: PubMed 16199547; PubMed 23472759; PubMed 25925986.